The following is an entry in ClinVar:

ClinVar aggregate classification (germline): Uncertain significance. Review status: criteria provided, multiple submitters, no conflicts (2 of 4 stars). 2 submissions from 2 submitters: Uncertain significance (2). Last evaluated 2025-06-18.

Conditions:
Cardiovascular phenotype. Identifiers: MedGen CN230736.
Hereditary cancer-predisposing syndrome. Also called: Tumor predisposition; Hereditary neoplastic syndrome; Hereditary Cancer Syndrome; Neoplastic Syndromes, Hereditary. Identifiers: Orphanet 140162, MedGen C0027672, MeSH D009386, MONDO:0015356.

Submissions (2):

Labcorp Genetics (formerly Invitae), Labcorp
Classification: Uncertain significance. Last evaluated: 2025-06-18. Review status: criteria provided, single submitter. Criteria: Invitae Variant Classification Sherloc (09022015). Collection method: clinical testing. Allele origin: germline.
Comment: This sequence change replaces proline, which is neutral and non-polar, with glutamine, which is neutral and polar, at codon 226 of the LZTR1 protein (p.Pro226Gln). This variant is not present in population databases (gnomAD no frequency). This missense change has been observed in individual(s) with Noonan syndrome (internal data). ClinVar contains an entry for this variant (Variation ID: 1461256). Invitae Evidence Modeling of protein sequence and biophysical properties (such as structural, functional, and spatial information, amino acid conservation, physicochemical variation, residue mobility, and thermodynamic stability) indicates that this missense variant is not expected to disrupt LZTR1 protein function with a negative predictive value of 80%. In summary, the available evidence is currently insufficient to determine the role of this variant in disease. Therefore, it has been classified as a Variant of Uncertain Significance.

Ambry Genetics
Classification: Uncertain significance for Cardiovascular phenotype; Hereditary cancer-predisposing syndrome. Last evaluated: 2023-04-22. Review status: criteria provided, single submitter. Criteria: Ambry Variant Classification Scheme 2023. Collection method: clinical testing. Allele origin: germline.
Comment: The p.P226Q variant (also known as c.677C>A), located in coding exon 8 of the LZTR1 gene, results from a C to A substitution at nucleotide position 677. The proline at codon 226 is replaced by glutamine, an amino acid with similar properties. This amino acid position is conserved. In addition, the in silico prediction for this alteration is inconclusive. Since supporting evidence is limited at this time, the clinical significance of this alteration remains unclear.

NM_006767.4(LZTR1):c.677C>A (p.Pro226Gln)

Gene: LZTR1 (leucine zipper like post translational regulator 1; plus strand). Cytogenetic location: 22q11.21.
Variant type: single nucleotide variant.
Coding change: c.677C>A on transcript NM_006767.4 (MANE Select); coding-DNA position 677, C replaced by A.
Protein change: p.Pro226Gln; replaces proline 226 with glutamine.
Molecular consequence: missense variant.
Genome position (GRCh38, 1-based): chr22:20,990,411, C>A. VCF-style: chr22-20990411-C-A. GRCh37 (hg19) VCF-style: chr22-21344700-C-A.
Other names: c.677C>A (NM_006767.3); short protein forms P226Q.
Identifiers: ClinVar variation 1461256 (VCV001461256.9), dbSNP rs2147964011, ClinGen allele CA410780460.